The following is an entry in ClinVar:

ClinVar aggregate classification (germline): Uncertain significance (1 of 4 stars; one submission).

Conditions:
Primary dilated cardiomyopathy (DCM). Also called: Dilated Cardiomyopathy. Identifiers: Orphanet 217604, MedGen C0007193, MeSH D002311, MONDO:0005021, HP:0001644. Inheritance: Various modes of inheritance.

Submission:

Laboratory for Molecular Medicine, Mass General Brigham Personalized Medicine
Classification: Uncertain significance for Primary dilated cardiomyopathy. Last evaluated: 2022-12-06. Review status: criteria provided, single submitter. Criteria: ACMG Guidelines, 2015. Collection method: clinical testing. Allele origin: germline.
Comment: The p.Glu224GlyfsX17 variant in VCL has been identified in an infant with dilated cardiomyopathy (DCM; Hawley 2020 PMID: 32516855, LMM data) and was absent from large population studies. This frameshift variant leads to a premature termination codon beginning at position 224 and leads to a premature termination codon 17 amino acids downstream. This alteration is then predicted to lead to a truncated or absent protein. Mouse models have shown that loss of function of the VCL gene leads to cardiac dysfunction, including DCM (Zemljic-Harpf 2007 PMID:17785437). Heterozygous loss-of-function variants in VCL have been identified in several individuals in our laboratory, many of whom had early onset DCM; however, these variants have also been identified in unaffected family members and family members with later onset disease (Hawley 2020 PMID: 32516855). In summary, although there is some evidence suggesting an association between truncating variants in VCL and DCM, there is not currently enough information to determine the strength of this association or to clearly delineate a mode of inheritance. Therefore, this variant is classified as uncertain significance. ACMG/AMP Criteria applied: PM2_supporting.

Literature cited by the submitters: PubMed 32516855.

NM_003373.4(VCL):c.670dup (p.Glu224fs)

Gene: VCL (vinculin; plus strand). Cytogenetic location: 10q22.2.
Variant type: Duplication.
Coding change: c.670dup on transcript NM_003373.4; coding-DNA position 670, one base duplicated (G; older notation c.670dupG).
Protein change: p.Glu224fs; shifts the reading frame from glutamic acid 224.
Molecular consequence: frameshift variant (on NM_014000.2).
Genome position (GRCh38, 1-based): chr10:74,074,790, G duplicated. VCF-style (leftmost placement, unchanged base first): chr10-74074789-A-AG. GRCh37 (hg19) VCF-style: chr10-75834547-A-AG.
Other names: NM_014000.2:c.670dupG; p.Glu224GlyfsX17; c.670_671insG (NM_014000.2); c.670dup, p.Glu224fs (NM_014000.3); short protein forms E224fs.
Identifiers: ClinVar variation 228312 (VCV000228312.6), dbSNP rs876657674, ClinGen allele CA10576823.
Genomic context (GRCh38, chr10:74,074,789, plus strand): 5'-TTTTATTTTTACAGCTATGAAGATTTTTGTAACAACTAAAAACTCAAAAAACCAAGGCAT[A>AG]GAGGAAGCTTTAAAAAATCGCAATTTTACTGTAGAAAAAATGAGTGCTGAAATTAATGAG-3'